The following is an entry in ClinVar:

ClinVar aggregate classification (germline): Uncertain significance (1 of 4 stars; one submission).

gnomAD v4.1: 2 of 1,612,608 alleles (0.00012%); highest among the groups gnomAD compares: Non-Finnish European, 0.00017%; no homozygotes.

Submission:

Labcorp Genetics (formerly Invitae), Labcorp
Classification: Uncertain significance. Last evaluated: 2024-11-02. Review status: criteria provided, single submitter. Criteria: Invitae Variant Classification Sherloc (09022015). Collection method: clinical testing. Allele origin: germline.
Comment: This sequence change disrupts the translational stop signal of the WFS1 mRNA. It is expected to extend the length of the WFS1 protein by 14 additional amino acid residues. This variant is present in population databases (rs755542327, gnomAD 0.0009%). This protein extension has been observed in individual(s) with optic neuropathy (PMID: 9563951). Experimental studies and prediction algorithms are not available or were not evaluated, and the functional significance of this variant is currently unknown. In summary, the available evidence is currently insufficient to determine the role of this variant in disease. Therefore, it has been classified as a Variant of Uncertain Significance.

Literature cited by the submitters: PubMed 9563951.

NM_006005.3(WFS1):c.2673A>C (p.Ter891Cys)

Gene: WFS1 (wolframin ER transmembrane glycoprotein; plus strand). Cytogenetic location: 4p16.1.
Variant type: single nucleotide variant.
Coding change: c.2673A>C on transcript NM_006005.3 (MANE Select); coding-DNA position 2673, A replaced by C.
Protein change: p.Ter891Cys.
Molecular consequence: stop lost.
Genome position (GRCh38, 1-based): chr4:6,302,468, A>C. VCF-style: chr4-6302468-A-C. GRCh37 (hg19) VCF-style: chr4-6304195-A-C.
Other names: c.2673A>C, p.Ter891Cys (NM_001145853.1).
Identifiers: ClinVar variation 3718182 (VCV003718182.2).